The following is an entry in ClinVar:

ClinVar aggregate classification (germline): Pathogenic (1 of 4 stars; one submission).

Conditions:
Joubert syndrome. Also called: CEREBELLOPARENCHYMAL DISORDER IV; JOUBERT-BOLTSHAUSER SYNDROME; Familial aplasia of the vermis. Identifiers: Orphanet 475, MedGen C5979921, MONDO:0018772.

Submission:

Labcorp Genetics (formerly Invitae), Labcorp
Classification: Pathogenic for Joubert syndrome. Last evaluated: 2022-05-27. Review status: criteria provided, single submitter. Criteria: Invitae Variant Classification Sherloc (09022015). Collection method: clinical testing. Allele origin: germline.
Comment: This variant, c.1574_1588del, results in the deletion of 5 amino acid(s) of the AHI1 protein (p.His525_Thr529del), but otherwise preserves the integrity of the reading frame. This variant is not present in population databases (gnomAD no frequency). For these reasons, this variant has been classified as Pathogenic. This variant disrupts a region of the AHI1 protein in which other variant(s) (p.Pro527Leu) have been determined to be pathogenic (Invitae). This suggests that this is a clinically significant region of the protein, and that variants that disrupt it are likely to be disease-causing. This variant has not been reported in the literature in individuals affected with AHI1-related conditions.

NM_001134831.2(AHI1):c.1574_1588del (p.His525_Thr529del)

Gene: AHI1 (Abelson helper integration site 1; minus strand). Cytogenetic location: 6q23.3.
Variant type: Deletion.
Coding change: c.1574_1588del on transcript NM_001134831.2 (MANE Select); coding-DNA positions 1574 to 1588, 15 bases deleted (ATTACCCATCAACAC).
Protein change: p.His525_Thr529del.
Molecular consequence: inframe deletion.
Genome position (GRCh38, 1-based): chr6:135,448,328-135,448,342, GTGTTGATGGGTAAT deleted on the plus strand (ATTACCCATCAACAC on the coding strand, the reverse complement: AHI1 is on the minus strand); deleting any 15 consecutive bases within chr6:135,448,328-135,448,343 gives the same sequence; the c. name uses the placement nearest the transcript's 3' end. VCF-style (leftmost placement, unchanged base first): chr6-135448327-AGTGTTGATGGGTAAT-A. GRCh37 (hg19) VCF-style: chr6-135769465-AGTGTTGATGGGTAAT-A.
Other names: c.1574_1588del, p.His525_Thr529del (NM_001134830.2, NM_001134832.2, NM_001350503.2 and 2 more transcripts).
Identifiers: ClinVar variation 1999517 (VCV001999517.4), dbSNP rs2484786829, ClinGen allele CA2580075068.